The following is an entry in ClinVar:

ClinVar aggregate classification (germline): Conflicting classifications of pathogenicity. Review status: criteria provided, conflicting classifications (1 of 4 stars). 2 submissions from 2 submitters: Uncertain significance (1); Likely benign (1). Last evaluated 2025-07-29.

Conditions:
Hypertrophic cardiomyopathy 26. Also called: Cardiomyopathy, familial hypertrophic, 26. Identifiers: Orphanet 75249, MedGen C4310749, MONDO:0014883, OMIM 617047.
Myofibrillar myopathy 5. Also called: Filaminopathy (type); FILAMINOPATHY, AUTOSOMAL DOMINANT. Identifiers: Orphanet 171445, MedGen C1836050, MONDO:0012289, OMIM 609524.
Distal myopathy with posterior leg and anterior hand involvement. Also called: WILLIAMS DISTAL MYOPATHY. Identifiers: Orphanet 63273, MedGen C3279722, MONDO:0013550, OMIM 614065.
Cardiovascular phenotype. Identifiers: MedGen CN230736.

Allele frequency attached by ClinVar (database versions not stated): gnomAD exomes 0.00001; ExAC 0.00002.
gnomAD v4.1: 15 of 1,613,978 alleles (0.00093%); highest among the groups gnomAD compares: South Asian, 0.016%; no homozygotes.

Submissions (2):

Labcorp Genetics (formerly Invitae), Labcorp
Classification: Likely benign for Distal myopathy with posterior leg and anterior hand involvement; Myofibrillar myopathy 5; Hypertrophic cardiomyopathy 26. Last evaluated: 2025-07-29. Review status: criteria provided, single submitter. Criteria: Invitae Variant Classification Sherloc (09022015). Collection method: clinical testing. Allele origin: germline.

Ambry Genetics
Classification: Uncertain significance for Cardiovascular phenotype. Last evaluated: 2024-02-16. Review status: criteria provided, single submitter. Criteria: Ambry Variant Classification Scheme 2023. Collection method: clinical testing. Allele origin: germline.
Comment: The p.S1607G variant (also known as c.4819A>G), located in coding exon 28 of the FLNC gene, results from an A to G substitution at nucleotide position 4819. The serine at codon 1607 is replaced by glycine, an amino acid with similar properties. This amino acid position is conserved. In addition, this alteration is predicted to be tolerated by in silico analysis. Based on the available evidence, the clinical significance of this alteration remains unclear.

NM_001458.5(FLNC):c.4819A>G (p.Ser1607Gly)

Gene: FLNC (filamin C; plus strand). Cytogenetic location: 7q32.1.
Variant type: single nucleotide variant.
Coding change: c.4819A>G on transcript NM_001458.5 (MANE Select); coding-DNA position 4819, A replaced by G.
Protein change: p.Ser1607Gly; replaces serine 1607 with glycine.
Molecular consequence: missense variant.
Genome position (GRCh38, 1-based): chr7:128,848,874, A>G. VCF-style: chr7-128848874-A-G. GRCh37 (hg19) VCF-style: chr7-128488928-A-G.
Other names: c.4819A>G, p.Ser1607Gly (NM_001127487.2); short protein forms S1607G.
Identifiers: ClinVar variation 2931077 (VCV002931077.4), dbSNP rs776699786, ClinGen allele CA4475466.